The following is an entry in ClinVar:

NM_022552.5(DNMT3A):c.2173G>A (p.Glu725Lys)

Gene: DNMT3A (DNA methyltransferase 3 alpha; minus strand). Cytogenetic location: 2p23.3.
Variant type: single nucleotide variant.
Coding change: c.2173G>A on transcript NM_022552.5 (MANE Select); coding-DNA position 2173, G replaced by A.
Protein change: p.Glu725Lys; replaces glutamic acid 725 with lysine.
Molecular consequence: missense variant. On other transcripts: non-coding transcript variant (1).
Genome position (GRCh38, 1-based): chr2:25,240,640, C>T on the plus strand (G>A on the coding strand, the complement: DNMT3A is on the minus strand). VCF-style: chr2-25240640-C-T. GRCh37 (hg19) VCF-style: chr2-25463509-C-T.
Other names: c.1717G>A, p.Glu573Lys (NM_001320893.1); c.1504G>A, p.Glu502Lys (NM_001375819.1); c.1606G>A, p.Glu536Lys (NM_153759.3); c.2173G>A, p.Glu725Lys (NM_175629.2); short protein forms E502K, E536K, E573K, E725K.
Identifiers: ClinVar variation 3253521 (VCV003253521.1), dbSNP rs1443190506.
Genomic context (GRCh38, chr2:25,240,640, plus strand): 5'-GAGGAAGCCTATGTGCGGAAGCACCAGCTGAGAAGGTGGAGGGGACAGGATGGTACCTAC[C>T]GTAGAGGCCCTTGCGAGCAGGGTTGACGATGGAGAGGTCATTGCAGGGACTGCCCCCAAT-3'
Protein context (NP_072046.2, residues 715-735): IVNPARKGLY[Glu725Lys]GTGRLFFEFY

ClinVar aggregate classification (germline): Uncertain significance (1 of 4 stars; one submission).

Submission:

GeneDx
Classification: Uncertain significance. Last evaluated: 2023-06-02. Review status: criteria provided, single submitter. Criteria: GeneDx Variant Classification Process June 2021. Collection method: clinical testing. Allele origin: germline. Affected: yes.
Comment: Has not been previously published as pathogenic or benign to our knowledge; In silico analysis supports that this missense variant has a deleterious effect on protein structure/function; In silico analysis suggests this variant may impact gene splicing. In the absence of RNA/functional studies, the actual effect of this sequence change is unknown.; Not observed at significant frequency in large population cohorts (gnomAD)